The following is an entry in ClinVar:

ClinVar aggregate classification (germline): Benign/Likely benign. Review status: criteria provided, multiple submitters, no conflicts (2 of 4 stars). 4 submissions from 4 submitters: Benign (2); Likely benign (2). Last evaluated 2025-05-20.

Conditions:
Hereditary cancer-predisposing syndrome. Also called: Hereditary Cancer Syndrome; Neoplastic Syndromes, Hereditary; Hereditary neoplastic syndrome; Tumor predisposition. Identifiers: Orphanet 140162, MedGen C0027672, MeSH D009386, MONDO:0015356.
Tuberous sclerosis 2 (TSC2). Identifiers: Orphanet 805, MedGen C1860707, MONDO:0013199, OMIM 613254.

Submissions (4):

Myriad Genetics, Inc.
Classification: Benign for Tuberous sclerosis 2. Last evaluated: 2025-05-20. Review status: criteria provided, single submitter. Criteria: Myriad Autosomal Dominant, Autosomal Recessive and X-Linked Classification Criteria (2023). Collection method: clinical testing. Allele origin: unknown.
Comment: This variant is considered benign. This variant is a silent/synonymous amino acid change and it is not expected to impact splicing.

Genome-Nilou Lab
Classification: Benign for Tuberous sclerosis 2. Last evaluated: 2021-11-07. Review status: criteria provided, single submitter. Criteria: ACMG Guidelines, 2015. Collection method: clinical testing. Allele origin: germline. Affected: no.

Labcorp Genetics (formerly Invitae), Labcorp
Classification: Likely benign for Tuberous sclerosis 2. Last evaluated: 2021-07-25. Review status: criteria provided, single submitter. Criteria: Invitae Variant Classification Sherloc (09022015). Collection method: clinical testing. Allele origin: germline.

Ambry Genetics
Classification: Likely benign for Hereditary cancer-predisposing syndrome. Last evaluated: 2019-07-10. Review status: criteria provided, single submitter. Criteria: Ambry Variant Classification Scheme 2023. Collection method: clinical testing. Allele origin: germline.

NM_000548.5(TSC2):c.2472T>C (p.Pro824=)

Gene: TSC2 (TSC complex subunit 2; plus strand). Cytogenetic location: 16p13.3.
Variant type: single nucleotide variant.
Coding change: c.2472T>C on transcript NM_000548.5 (MANE Select); coding-DNA position 2472, T replaced by C.
Protein change: p.Pro824=; no amino-acid change (proline 824 retained).
Molecular consequence: synonymous variant.
Genome position (GRCh38, 1-based): chr16:2,074,316, T>C. VCF-style: chr16-2074316-T-C. GRCh37 (hg19) VCF-style: chr16-2124317-T-C.
Other names: c.2472T>C, p.Pro824= (NM_001077183.3, NM_001114382.3, NM_001363528.2 and 3 more transcripts); c.2361T>C, p.Pro787= (NM_001318827.2); c.2325T>C, p.Pro775= (NM_001318829.2); c.1872T>C, p.Pro624= (NM_001318831.2); c.2505T>C, p.Pro835= (NM_001318832.2).
Identifiers: ClinVar variation 821346 (VCV000821346.16), dbSNP rs1596356689, ClinGen allele CA492953135.